The following is an entry in ClinVar:

NM_006206.6(PDGFRA):c.1141C>A (p.Leu381Met)

Gene: PDGFRA (platelet derived growth factor receptor alpha; plus strand). Cytogenetic location: 4q12.
Variant type: single nucleotide variant.
Coding change: c.1141C>A on transcript NM_006206.6 (MANE Select); coding-DNA position 1141, C replaced by A.
Protein change: p.Leu381Met; replaces leucine 381 with methionine.
Molecular consequence: missense variant.
Genome position (GRCh38, 1-based): chr4:54,270,652, C>A. VCF-style: chr4-54270652-C-A. GRCh37 (hg19) VCF-style: chr4-55136819-C-A.
Other names: c.1180C>A, p.Leu394Met (NM_001347830.2); c.1141C>A, p.Leu381Met (NM_001347827.2, NM_001347829.2); c.1216C>A, p.Leu406Met (NM_001347828.2); short protein forms L381M, L394M, L406M.
Identifiers: ClinVar variation 4861735 (VCV004861735.1).

ClinVar aggregate classification (germline): Uncertain significance (1 of 4 stars; one submission).

Conditions:
Hereditary cancer-predisposing syndrome. Also called: Neoplastic Syndromes, Hereditary; Tumor predisposition; Hereditary Cancer Syndrome; Hereditary neoplastic syndrome. Identifiers: Orphanet 140162, MedGen C0027672, MeSH D009386, MONDO:0015356.

gnomAD v4.1: 1 of 1,608,010 alleles (0.000062%); highest among the groups gnomAD compares: Non-Finnish European, 0.000085%; no homozygotes.

Submission:

Ambry Genetics
Classification: Uncertain significance for Hereditary cancer-predisposing syndrome. Last evaluated: 2026-04-22. Review status: criteria provided, single submitter. Criteria: Ambry Variant Classification Scheme 2023. Collection method: clinical testing. Allele origin: germline.
Comment: The p.L381M variant (also known as c.1141C>A), located in coding exon 7 of the PDGFRA gene, results from a C to A substitution at nucleotide position 1141. The leucine at codon 381 is replaced by methionine, an amino acid with highly similar properties. This amino acid position is conserved. In addition, the in silico prediction for this alteration is inconclusive. Based on the available evidence, the clinical significance of this variant remains unclear.